The following is an entry in ClinVar:

NM_014956.5(CEP164):c.13C>T (p.Pro5Ser)

Gene: CEP164 (centrosomal protein 164; plus strand). Cytogenetic location: 11q23.3.
Variant type: single nucleotide variant.
Coding change: c.13C>T on transcript NM_014956.5 (MANE Select); coding-DNA position 13, C replaced by T.
Protein change: p.Pro5Ser; replaces proline 5 with serine.
Molecular consequence: missense variant. On other transcripts: intron variant (1).
Genome position (GRCh38, 1-based): chr11:117,338,599, C>T. VCF-style: chr11-117338599-C-T. GRCh37 (hg19) VCF-style: chr11-117209315-C-T.
Other names: c.13C>T, p.Pro5Ser (NM_001271933.2, NM_001440949.1, NM_001440950.1 and 36 more transcripts); c.-57+2919C>T (NM_001440960.1); short protein forms P5S.
Identifiers: ClinVar variation 4991976 (VCV004991976.1).

ClinVar aggregate classification (germline): Uncertain significance (1 of 4 stars; one submission).

Conditions:
CEP164-related disorder. Also called: CEP164-related condition.

Submission:

PreventionGenetics, part of Exact Sciences
Classification: Uncertain significance for CEP164-related condition. Last evaluated: 2026-07-18. Review status: criteria provided, single submitter. Criteria: ACMG Guidelines, 2015. Collection method: clinical testing. Allele origin: germline.
Comment: The CEP164 c.13C>T variant is predicted to result in the amino acid substitution p.Pro5Ser. To our knowledge, this variant has not been reported in the literature or in a large population database (gnomAD), indicating this variant is rare. At this time, the clinical significance of this variant is uncertain due to the absence of conclusive functional and genetic evidence.